The following is an entry in ClinVar:

NM_001128228.3(TPRN):c.1565G>A (p.Arg522Lys)

Gene: TPRN (taperin; minus strand). Cytogenetic location: 9q34.3.
Variant type: single nucleotide variant.
Coding change: c.1565G>A on transcript NM_001128228.3 (MANE Select); coding-DNA position 1565, G replaced by A.
Protein change: p.Arg522Lys; replaces arginine 522 with lysine.
Molecular consequence: missense variant.
Genome position (GRCh38, 1-based): chr9:137,199,147, C>T on the plus strand (G>A on the coding strand, the complement: TPRN is on the minus strand). VCF-style: chr9-137199147-C-T. GRCh37 (hg19) VCF-style: chr9-140093599-C-T.
Other names: short protein forms R522K.
Identifiers: ClinVar variation 3181619 (VCV003181619.2), dbSNP rs1370653692, ClinGen allele CA375774933.

ClinVar aggregate classification (germline): Uncertain significance. Review status: criteria provided, multiple submitters, no conflicts (2 of 4 stars). 2 submissions from 2 submitters: Uncertain significance (2). Last evaluated 2026-03-03.

Conditions:
TPRN-related disorder. Also called: TPRN-related condition.
Inborn genetic diseases. Identifiers: MedGen C0950123, MeSH D030342.

Allele frequency attached by ClinVar (database versions not stated): gnomAD 0.00001; TOPMed 0.00002; gnomAD exomes 0.00003.

Submissions (2):

PreventionGenetics, part of Exact Sciences
Classification: Uncertain significance for TPRN-related condition. Last evaluated: 2026-03-03. Review status: criteria provided, single submitter. Criteria: ACMG Guidelines, 2015. Collection method: clinical testing. Allele origin: germline.
Comment: The TPRN c.1565G>A variant is predicted to result in the amino acid substitution p.Arg522Lys. To our knowledge, this variant has not been reported in the literature or in a large population database (gnomAD), indicating this variant is rare. At this time, the clinical significance of this variant is uncertain due to the absence of conclusive functional and genetic evidence.

Ambry Genetics
Classification: Uncertain significance for Inborn genetic diseases. Last evaluated: 2023-12-20. Review status: criteria provided, single submitter. Criteria: Ambry Variant Classification Scheme 2023. Collection method: clinical testing. Allele origin: germline.